The following is an entry in ClinVar:

NM_033026.6(PCLO):c.7574_7579del (p.Lys2525_Pro2526del)

Gene: PCLO (piccolo presynaptic cytomatrix protein; minus strand). Cytogenetic location: 7q21.11.
Variant type: Deletion.
Coding change: c.7574_7579del on transcript NM_033026.6 (MANE Select); coding-DNA positions 7574 to 7579, 6 bases deleted (AACCAA; older notation c.7574_7579delAACCAA).
Protein change: p.Lys2525_Pro2526del.
Molecular consequence: inframe deletion.
Genome position (GRCh38, 1-based): chr7:82,953,374-82,953,379, TTGGTT deleted on the plus strand (AACCAA on the coding strand, the reverse complement: PCLO is on the minus strand); deleting any 6 consecutive bases within chr7:82,953,374-82,953,381 gives the same sequence; the c. name uses the placement nearest the transcript's 3' end. VCF-style (leftmost placement, unchanged base first): chr7-82953373-GTTGGTT-G. GRCh37 (hg19) VCF-style: chr7-82582689-GTTGGTT-G.
Other names: c.7574_7579del, p.Lys2525_Pro2526del (NM_014510.3).
Identifiers: ClinVar variation 2124942 (VCV002124942.5), dbSNP rs1795411805, ClinGen allele CA1721470503.

ClinVar aggregate classification (germline): Uncertain significance. Review status: criteria provided, multiple submitters, no conflicts (2 of 4 stars). 2 submissions from 2 submitters: Uncertain significance (2). Last evaluated 2024-02-05.

Conditions:
Inborn genetic diseases. Identifiers: MedGen C0950123, MeSH D030342.

Submissions (2):

Labcorp Genetics (formerly Invitae), Labcorp
Classification: Uncertain significance. Last evaluated: 2024-02-05. Review status: criteria provided, single submitter. Criteria: Invitae Variant Classification Sherloc (09022015). Collection method: clinical testing. Allele origin: germline.
Comment: This variant, c.7574_7579del, results in the deletion of 2 amino acid(s) of the PCLO protein (p.Lys2525_Pro2526del), but otherwise preserves the integrity of the reading frame. This variant is not present in population databases (gnomAD no frequency). This variant has not been reported in the literature in individuals affected with PCLO-related conditions. ClinVar contains an entry for this variant (Variation ID: 2124942). Experimental studies and prediction algorithms are not available or were not evaluated, and the functional significance of this variant is currently unknown. In summary, the available evidence is currently insufficient to determine the role of this variant in disease. Therefore, it has been classified as a Variant of Uncertain Significance.

Ambry Genetics
Classification: Uncertain significance for Inborn genetic diseases. Last evaluated: 2022-07-28. Review status: criteria provided, single submitter. Criteria: Ambry Variant Classification Scheme 2023. Collection method: clinical testing. Allele origin: germline.
Comment: The c.7574_7579delAACCAA (p.K2525_P2526del) alteration is located in exon 5 (coding exon 5) of the PCLO gene. This alteration consists of an in-frame deletion of 6 nucleotides between nucleotide positions c.7574 and c.7579, resulting in the deletion of <NA> residues. Based on insufficient or conflicting evidence, the clinical significance of this alteration remains unclear.